The following is an entry in ClinVar:

ClinVar aggregate classification (germline): Uncertain significance (1 of 4 stars; one submission).

gnomAD v4.1: 7 of 1,614,092 alleles (0.00043%); highest among the groups gnomAD compares: Non-Finnish European, 0.00059%; no homozygotes.

Submission:

GeneDx
Classification: Uncertain significance. Last evaluated: 2024-07-09. Review status: criteria provided, single submitter. Criteria: GeneDx Variant Classification Process June 2021. Collection method: clinical testing. Allele origin: germline. Affected: yes.
Comment: Not observed at significant frequency in large population cohorts (gnomAD); In silico analysis indicates that this missense variant does not alter protein structure/function; Has not been previously published as pathogenic or benign to our knowledge; Variants in candidate genes are classified as variants of uncertain significance in accordance with ACMG guidelines (PMID: 25741868)

NM_001130145.3(YAP1):c.1465G>C (p.Val489Leu)

Gene: YAP1 (Yes1 associated transcriptional regulator; plus strand). Cytogenetic location: 11q22.1.
Variant type: single nucleotide variant.
Coding change: c.1465G>C on transcript NM_001130145.3 (MANE Select); coding-DNA position 1465, G replaced by C.
Protein change: p.Val489Leu; replaces valine 489 with leucine.
Molecular consequence: missense variant.
Genome position (GRCh38, 1-based): chr11:102,229,890, G>C. VCF-style: chr11-102229890-G-C. GRCh37 (hg19) VCF-style: chr11-102100621-G-C.
Other names: c.1417G>C, p.Val473Leu (NM_001195044.2); c.931G>C, p.Val311Leu (NM_001195045.2); c.1351G>C, p.Val451Leu (NM_001282097.2); c.1315G>C, p.Val439Leu (NM_001282098.2); c.1363G>C, p.Val455Leu (NM_001282099.2); c.1429G>C, p.Val477Leu (NM_001282100.2); c.1477G>C, p.Val493Leu (NM_001282101.2); c.1303G>C, p.Val435Leu (NM_006106.5); short protein forms V311L, V435L, V439L, V451L, V455L, V473L, V477L, V489L.
Identifiers: ClinVar variation 3907795 (VCV003907795.1).